The following is an entry in ClinVar:

NM_000260.4(MYO7A):c.6297_6298dup (p.Phe2100fs)

Gene: MYO7A (myosin VIIA; plus strand). Cytogenetic location: 11q13.5.
Variant type: Duplication.
Coding change: c.6297_6298dup on transcript NM_000260.4 (MANE Select); coding-DNA positions 6297 to 6298, 2 bases duplicated (CT; older notation c.6297_6298dupCT).
Protein change: p.Phe2100fs; shifts the reading frame from phenylalanine 2100.
Molecular consequence: frameshift variant.
Genome position (GRCh38, 1-based): chr11:77,211,880-77,211,881, CT duplicated. VCF-style (leftmost placement, unchanged base first): chr11-77211879-C-CCT. GRCh37 (hg19) VCF-style: chr11-76922924-C-CCT.
Other names: c.6183_6184dup, p.Phe2062fs (NM_001127180.2); c.6150_6151dup, p.Phe2051fs (NM_001369365.1); short protein forms F2051fs, F2100fs, F2062fs.
Identifiers: ClinVar variation 3726170 (VCV003726170.2).

ClinVar aggregate classification (germline): Pathogenic (1 of 4 stars; one submission).

Submission:

Labcorp Genetics (formerly Invitae), Labcorp
Classification: Pathogenic. Last evaluated: 2024-12-06. Review status: criteria provided, single submitter. Criteria: Invitae Variant Classification Sherloc (09022015). Collection method: clinical testing. Allele origin: germline.
Comment: This sequence change creates a premature translational stop signal (p.Phe2100Serfs*3) in the MYO7A gene. It is expected to result in an absent or disrupted protein product. Loss-of-function variants in MYO7A are known to be pathogenic (PMID: 8900236, 25404053). This variant is not present in population databases (gnomAD no frequency). This variant has not been reported in the literature in individuals affected with MYO7A-related conditions. For these reasons, this variant has been classified as Pathogenic.

Literature cited by the submitters: PubMed 8900236; PubMed 25404053.